The following is an entry in ClinVar:

NM_133497.4(KCNV2):c.1139G>T (p.Arg380Leu)

Gene: KCNV2 (potassium voltage-gated channel modifier subfamily V member 2; plus strand). Cytogenetic location: 9p24.2.
Variant type: single nucleotide variant.
Coding change: c.1139G>T on transcript NM_133497.4 (MANE Select); coding-DNA position 1139, G replaced by T.
Protein change: p.Arg380Leu; replaces arginine 380 with leucine.
Molecular consequence: missense variant.
Genome position (GRCh38, 1-based): chr9:2,718,878, G>T. VCF-style: chr9-2718878-G-T. GRCh37 (hg19) VCF-style: chr9-2718878-G-T.
Other names: short protein forms R380L.
Identifiers: ClinVar variation 1995670 (VCV001995670.4), dbSNP rs765927725, ClinGen allele CA372802112.

ClinVar aggregate classification (germline): Uncertain significance (1 of 4 stars; one submission).

Submission:

Labcorp Genetics (formerly Invitae), Labcorp
Classification: Uncertain significance. Last evaluated: 2022-05-20. Review status: criteria provided, single submitter. Criteria: Invitae Variant Classification Sherloc (09022015). Collection method: clinical testing. Allele origin: germline.
Comment: In summary, the available evidence is currently insufficient to determine the role of this variant in disease. Therefore, it has been classified as a Variant of Uncertain Significance. Advanced modeling of protein sequence and biophysical properties (such as structural, functional, and spatial information, amino acid conservation, physicochemical variation, residue mobility, and thermodynamic stability) performed at Invitae indicates that this missense variant is expected to disrupt KCNV2 protein function. This variant has not been reported in the literature in individuals affected with KCNV2-related conditions. This variant is not present in population databases (gnomAD no frequency). This sequence change replaces arginine, which is basic and polar, with leucine, which is neutral and non-polar, at codon 380 of the KCNV2 protein (p.Arg380Leu).